The following is an entry in ClinVar:

NM_001848.3(COL6A1):c.1398+2T>G

Gene: COL6A1 (collagen type VI alpha 1 chain; plus strand). Cytogenetic location: 21q22.3.
Variant type: single nucleotide variant.
Coding change: c.1398+2T>G on transcript NM_001848.3 (MANE Select); the canonical splice donor site of the intron after coding-DNA position 1398, T replaced by G.
Molecular consequence: splice donor variant.
Genome position (GRCh38, 1-based): chr21:45,994,231, T>G. VCF-style: chr21-45994231-T-G. GRCh37 (hg19) VCF-style: chr21-47414145-T-G.
Identifiers: ClinVar variation 583104 (VCV000583104.9), dbSNP rs1569518481, ClinGen allele CA410527227.

ClinVar aggregate classification (germline): Likely pathogenic (1 of 4 stars; one submission).

Conditions:
Bethlem myopathy 1A. Also called: Bethlem myopathy 1; MYOPATHY, BENIGN CONGENITAL, WITH CONTRACTURES; Bethlem Muscular Dystrophy. Identifiers: Orphanet 610, MedGen CN029274, MONDO:0024530, OMIM 158810.

Submission:

Labcorp Genetics (formerly Invitae), Labcorp
Classification: Likely pathogenic for Bethlem myopathy 1A. Last evaluated: 2022-08-08. Review status: criteria provided, single submitter. Criteria: Invitae Variant Classification Sherloc (09022015). Collection method: clinical testing. Allele origin: germline.
Comment: This sequence change affects a donor splice site in intron 20 of the COL6A1 gene. It is expected to disrupt RNA splicing. Variants that disrupt the donor or acceptor splice site typically lead to a loss of protein function (PMID: 16199547), and loss-of-function variants in COL6A1 are known to be disease-causing for autosomal recessive COL6A1 conditions (PMID: 21280092, 20976770). However, certain variants affecting donor or acceptor splice sites in the triple helical domain of COL6A1 are expected to result in in-frame exon skipping and have been reported to cause autosomal dominant COL6A1-related conditions (PMID: 18366090). In summary, the currently available evidence indicates that the variant is pathogenic, but additional data are needed to prove that conclusively. Therefore, this variant has been classified as Likely Pathogenic. Algorithms developed to predict the effect of sequence changes on RNA splicing suggest that this variant may disrupt the consensus splice site. ClinVar contains an entry for this variant (Variation ID: 583104). Disruption of this splice site has been observed in individual(s) with Bethlem myopathy (PMID: 30706156). This variant is not present in population databases (gnomAD no frequency).

Literature cited by the submitters: PubMed 16199547; PubMed 21280092; PubMed 20976770; PubMed 18366090; PubMed 30706156.